The following is an entry in ClinVar:

ClinVar aggregate classification (germline): Uncertain significance. Review status: criteria provided, multiple submitters, no conflicts (2 of 4 stars). 4 submissions from 4 submitters: Uncertain significance (4). Last evaluated 2026-01-23.

Conditions:
Inborn genetic diseases. Identifiers: MedGen C0950123, MeSH D030342.

Allele frequency attached by ClinVar (database versions not stated): TOPMed 0.00001; gnomAD exomes 0.00004; ExAC 0.00007.
gnomAD v4.1: 22 of 1,614,118 alleles (0.0014%); highest among the groups gnomAD compares: Admixed American, 0.035%; no homozygotes.

Submissions (4):

Labcorp Genetics (formerly Invitae), Labcorp
Classification: Uncertain significance. Last evaluated: 2026-01-23. Review status: criteria provided, single submitter. Criteria: Invitae Variant Classification Sherloc (09022015). Collection method: clinical testing. Allele origin: germline.
Comment: This sequence change replaces valine, which is neutral and non-polar, with leucine, which is neutral and non-polar, at codon 797 of the SLC4A1 protein (p.Val797Leu). This variant is present in population databases (rs761550289, gnomAD 0.05%). This variant has not been reported in the literature in individuals affected with SLC4A1-related conditions. ClinVar contains an entry for this variant (Variation ID: 2086181). Invitae Evidence Modeling of protein sequence and biophysical properties (such as structural, functional, and spatial information, amino acid conservation, physicochemical variation, residue mobility, and thermodynamic stability) indicates that this missense variant is not expected to disrupt SLC4A1 protein function with a negative predictive value of 80%. In summary, the available evidence is currently insufficient to determine the role of this variant in disease. Therefore, it has been classified as a Variant of Uncertain Significance.

Ambry Genetics
Classification: Uncertain significance for Inborn genetic diseases. Last evaluated: 2025-08-28. Review status: criteria provided, single submitter. Criteria: Ambry Variant Classification Scheme 2023. Collection method: clinical testing. Allele origin: germline.

ARUP Laboratories, Molecular Genetics and Genomics, ARUP Laboratories
Classification: Uncertain significance. Last evaluated: 2024-10-23. Review status: criteria provided, single submitter. Criteria: ARUP Molecular Germline Variant Investigation Process 2024. Collection method: clinical testing. Allele origin: germline.
Comment: The SLC4A1 c.2389G>C;p.Val797Leu variant (rs761550289), to our knowledge, is not reported in the medical literature but is reported in ClinVar (Variation ID: 2086181). This variant is found predominantly in the Admixed American population with an allele frequency of 0.05% (18/34586 alleles) in the Genome Aggregation Database (v2.1.1). Computational analyses are uncertain whether this variant is neutral or deleterious (REVEL: 0.479). Due to limited information, the clinical significance of this variant is uncertain at this time.

Revvity Omics, Revvity
Classification: Uncertain significance. Last evaluated: 2024-08-08. Review status: criteria provided, single submitter. Criteria: ACMG Guidelines, 2015. Collection method: clinical testing. Allele origin: germline.

NM_000342.4(SLC4A1):c.2389G>C (p.Val797Leu)

Gene: SLC4A1 (solute carrier family 4 member 1 (Diego blood group); minus strand). Cytogenetic location: 17q21.31.
Variant type: single nucleotide variant.
Coding change: c.2389G>C on transcript NM_000342.4 (MANE Select); coding-DNA position 2389, G replaced by C.
Protein change: p.Val797Leu; replaces valine 797 with leucine.
Molecular consequence: missense variant.
Genome position (GRCh38, 1-based): chr17:44,251,511, C>G on the plus strand (G>C on the coding strand, the complement: SLC4A1 is on the minus strand). VCF-style: chr17-44251511-C-G. GRCh37 (hg19) VCF-style: chr17-42328879-C-G.
Other names: c.2389G>C (NM_000342.3); short protein forms V797L.
Identifiers: ClinVar variation 2086181 (VCV002086181.7), dbSNP rs761550289, ClinGen allele CA8600042.